The following is an entry in ClinVar:

ClinVar aggregate classification (germline): Pathogenic. Review status: criteria provided, multiple submitters, no conflicts (2 of 4 stars). 2 submissions from 2 submitters: Pathogenic (2). Last evaluated 2018-08-30.

Conditions:
Alagille syndrome due to a JAG1 point mutation. Also called: JAG1-Related Alagille Syndrome; HEPATIC DUCTULAR HYPOPLASIA, SYNDROMATIC; Alagille Syndrome 1. Identifiers: Orphanet 261619, Orphanet 52, MedGen C1956125, MONDO:0016862, OMIM 118450.

Submissions (2):

Eurofins Ntd Llc (ga)
Classification: Pathogenic. Last evaluated: 2018-08-30. Review status: criteria provided, single submitter. Criteria: EGL ClinVar v180209 classification definitions. Collection method: clinical testing. Allele origin: germline. Observed: 1 variant allele, 1 heterozygote.

Labcorp Genetics (formerly Invitae), Labcorp
Classification: Pathogenic for Alagille syndrome due to a JAG1 point mutation. Last evaluated: 2016-07-31. Review status: criteria provided, single submitter. Criteria: Invitae Variant Classification Sherloc (09022015). Collection method: clinical testing. Allele origin: germline.
Comment: For these reasons, this variant has been classified as Pathogenic. While this particular variant has not been reported in the literature, loss-of-function variants in JAG1 are known to be pathogenic (PMID: 11180599, 12497640). This sequence change inserts 1 nucleotide in exon 24 of the JAG1 mRNA (c.2966dupT), causing a frameshift at codon 989. This creates a premature translational stop signal (p.Leu989Phefs*7) and is expected to result in an absent or disrupted protein product.

Literature cited by the submitters: PubMed 11180599 (cited by Labcorp Genetics (formerly Invitae), Labcorp); PubMed 12497640 (cited by Labcorp Genetics (formerly Invitae), Labcorp).

NM_000214.3(JAG1):c.2966dup (p.Leu989fs)

Gene: JAG1 (jagged canonical Notch ligand 1; minus strand). Cytogenetic location: 20p12.2.
Variant type: Duplication.
Coding change: c.2966dup on transcript NM_000214.3 (MANE Select); coding-DNA position 2966, one base duplicated (T; older notation c.2966dupT).
Protein change: p.Leu989fs; shifts the reading frame from leucine 989.
Molecular consequence: frameshift variant.
Genome position (GRCh38, 1-based): chr20:10,641,195, A duplicated on the plus strand (T on the coding strand, the reverse complement: JAG1 is on the minus strand); the first of 4 consecutive A bases (chr20:10,641,195-10,641,198); duplicating any one gives the same sequence. VCF-style (leftmost placement, unchanged base first): chr20-10641194-C-CA. GRCh37 (hg19) VCF-style: chr20-10621842-C-CA.
Other names: c.2966dup, p.Leu989fs (LRG_1191t1); short protein forms L989fs.
Identifiers: ClinVar variation 406869 (VCV000406869.11), dbSNP rs1555827729, ClinGen allele CA16616461.